The following is an entry in ClinVar:

ClinVar aggregate classification (germline): Conflicting classifications of pathogenicity. Review status: criteria provided, conflicting classifications (1 of 4 stars). 2 submissions from 2 submitters: Uncertain significance (1); Likely benign (1). Last evaluated 2021-07-15.

Conditions:
VPS13A-related neurodegenerative disease. Also called: ACANTHOCYTOSIS WITH NEUROLOGIC DISORDER; LEVINE-CRITCHLEY SYNDROME; Choreoacanthocytosis; Chorea-acanthocytosis; VPS13A Disease; Choreaacanthocytosis. Identifiers: Orphanet 2388, MedGen C0393576, MONDO:0008695, OMIM 200150.

Allele frequency attached by ClinVar (database versions not stated): gnomAD exomes below 0.00001.
gnomAD v4.1: 2 of 1,614,084 alleles (0.00012%); highest among the groups gnomAD compares: Middle Eastern, 0.016%; no homozygotes.

Submissions (2):

Laboratorio de Genetica e Diagnostico Molecular, Hospital Israelita Albert Einstein
Classification: Uncertain significance for VPS13A-related neurodegenerative disease. Last evaluated: 2021-07-15. Review status: criteria provided, single submitter. Criteria: ACMG Guidelines, 2015. Collection method: clinical testing. Allele origin: germline. Affected: yes.
Comment: ACMG classification criteria: PM2 moderate

Labcorp Genetics (formerly Invitae), Labcorp
Classification: Likely benign. Last evaluated: 2021-01-12. Review status: criteria provided, single submitter. Criteria: Invitae Variant Classification Sherloc (09022015). Collection method: clinical testing. Allele origin: germline.

NM_033305.3(VPS13A):c.8982C>T (p.Phe2994=)

Gene: VPS13A (vacuolar protein sorting 13 homolog A; plus strand). Cytogenetic location: 9q21.2.
Variant type: single nucleotide variant.
Coding change: c.8982C>T on transcript NM_033305.3 (MANE Select); coding-DNA position 8982, C replaced by T.
Protein change: p.Phe2994=; no amino-acid change (phenylalanine 2994 retained).
Molecular consequence: synonymous variant.
Genome position (GRCh38, 1-based): chr9:77,371,054, C>T. VCF-style: chr9-77371054-C-T. GRCh37 (hg19) VCF-style: chr9-79985970-C-T.
Other names: c.8865C>T, p.Phe2955= (NM_001018037.2); c.8982C>T, p.Phe2994= (NM_001018038.3, NM_015186.4).
Identifiers: ClinVar variation 1149649 (VCV001149649.11), dbSNP rs998711723, ClinGen allele CA194407343.